The following is an entry in ClinVar:

NM_152703.5(SAMD9L):c.1673A>T (p.Asp558Val)

Gene: SAMD9L (sterile alpha motif domain containing 9 like; minus strand). Cytogenetic location: 7q21.2.
Variant type: single nucleotide variant.
Coding change: c.1673A>T on transcript NM_152703.5 (MANE Select); coding-DNA position 1673, A replaced by T.
Protein change: p.Asp558Val; replaces aspartic acid 558 with valine.
Molecular consequence: missense variant.
Genome position (GRCh38, 1-based): chr7:93,134,299, T>A on the plus strand (A>T on the coding strand, the complement: SAMD9L is on the minus strand). VCF-style: chr7-93134299-T-A. GRCh37 (hg19) VCF-style: chr7-92763612-T-A.
Other names: c.1673A>T (NM_152703.2); c.1673A>T, p.Asp558Val (NM_001303496.3, NM_001303497.3, NM_001303498.3 and 5 more transcripts); short protein forms D558V.
Identifiers: ClinVar variation 1435007 (VCV001435007.8), dbSNP rs1246411637, ClinGen allele CA368195290.

ClinVar aggregate classification (germline): Uncertain significance. Review status: criteria provided, multiple submitters, no conflicts (2 of 4 stars). 3 submissions from 3 submitters: Uncertain significance (3). Last evaluated 2025-04-10.

Conditions:
Inborn genetic diseases. Identifiers: MedGen C0950123, MeSH D030342.

Allele frequency attached by ClinVar (database versions not stated): gnomAD 0.00001.

Submissions (3):

Ambry Genetics
Classification: Uncertain significance for Inborn genetic diseases. Last evaluated: 2025-04-10. Review status: criteria provided, single submitter. Criteria: Ambry Variant Classification Scheme 2023. Collection method: clinical testing. Allele origin: germline.
Comment: The p.D558V variant (also known as c.1673A>T), located in coding exon 1 of the SAMD9L gene, results from an A to T substitution at nucleotide position 1673. The aspartic acid at codon 558 is replaced by valine, an amino acid with highly dissimilar properties. This amino acid position is conserved. In addition, the in silico prediction for this alteration is inconclusive. Based on the available evidence, the clinical significance of this variant remains unclear.

Revvity Omics, Revvity
Classification: Uncertain significance. Last evaluated: 2025-03-22. Review status: criteria provided, single submitter. Criteria: ACMG Guidelines, 2015. Collection method: clinical testing. Allele origin: germline.

Labcorp Genetics (formerly Invitae), Labcorp
Classification: Uncertain significance. Last evaluated: 2024-12-16. Review status: criteria provided, single submitter. Criteria: Invitae Variant Classification Sherloc (09022015). Collection method: clinical testing. Allele origin: germline.
Comment: This sequence change replaces aspartic acid, which is acidic and polar, with valine, which is neutral and non-polar, at codon 558 of the SAMD9L protein (p.Asp558Val). This variant is present in population databases (no rsID available, gnomAD 0.007%). This variant has not been reported in the literature in individuals affected with SAMD9L-related conditions. ClinVar contains an entry for this variant (Variation ID: 1435007). Experimental studies and prediction algorithms are not available or were not evaluated, and the functional significance of this variant is currently unknown. In summary, the available evidence is currently insufficient to determine the role of this variant in disease. Therefore, it has been classified as a Variant of Uncertain Significance.